The following is an entry in ClinVar:

ClinVar aggregate classification (germline): Pathogenic (1 of 4 stars; one submission).

Conditions:
Retinitis pigmentosa 12 (RP12). Also called: RP WITH OR WITHOUT PRESERVED PARAARTERIOLE RETINAL PIGMENT EPITHELIUM; RETINITIS PIGMENTOSA WITH OR WITHOUT PARAARTERIOLAR PRESERVATION OF RETINAL PIGMENT EPITHELIUM; RP WITH OR WITHOUT PPRPE. Identifiers: Orphanet 791, MedGen C1838647, MONDO:0010818, OMIM 600105.
Leber congenital amaurosis 8 (LCA8). Identifiers: Orphanet 65, MedGen C3151202, MONDO:0013453, OMIM 613835.

Allele frequency attached by ClinVar (database versions not stated): ExAC 0.00001.
gnomAD v4.1: 1 of 1,614,216 alleles (0.000062%); highest among the groups gnomAD compares: Non-Finnish European, 0.000085%; no homozygotes.

Submission:

Labcorp Genetics (formerly Invitae), Labcorp
Classification: Pathogenic for Leber congenital amaurosis 8; Retinitis pigmentosa 12. Last evaluated: 2023-02-21. Review status: criteria provided, single submitter. Criteria: Invitae Variant Classification Sherloc (09022015). Collection method: clinical testing. Allele origin: germline.
Comment: This sequence change replaces leucine, which is neutral and non-polar, with proline, which is neutral and non-polar, at codon 524 of the CRB1 protein (p.Leu524Pro). This variant is present in population databases (rs762223255, gnomAD 0.0009%). This missense change has been observed in individual(s) with CRB1-related conditions (PMID: 33342761). In at least one individual the data is consistent with being in trans (on the opposite chromosome) from a pathogenic variant. It has also been observed to segregate with disease in related individuals. For these reasons, this variant has been classified as Pathogenic. Advanced modeling of protein sequence and biophysical properties (such as structural, functional, and spatial information, amino acid conservation, physicochemical variation, residue mobility, and thermodynamic stability) performed at Invitae indicates that this missense variant is expected to disrupt CRB1 protein function.

Literature cited by the submitters: PubMed 33342761.

NM_201253.3(CRB1):c.1571T>C (p.Leu524Pro)

Gene: CRB1 (crumbs cell polarity complex component 1; plus strand). Cytogenetic location: 1q31.3.
Variant type: single nucleotide variant.
Coding change: c.1571T>C on transcript NM_201253.3 (MANE Select); coding-DNA position 1571, T replaced by C.
Protein change: p.Leu524Pro; replaces leucine 524 with proline.
Molecular consequence: missense variant. On other transcripts: non-coding transcript variant (2).
Genome position (GRCh38, 1-based): chr1:197,421,399, T>C. VCF-style: chr1-197421399-T-C. GRCh37 (hg19) VCF-style: chr1-197390529-T-C.
Other names: c.1235T>C, p.Leu412Pro (NM_001193640.2); c.1364T>C, p.Leu455Pro (NM_001257965.2); c.1571T>C, p.Leu524Pro (NM_001257966.2); short protein forms L524P, L412P, L455P.
Identifiers: ClinVar variation 2933044 (VCV002933044.3), dbSNP rs762223255, ClinGen allele CA1311934.